The following is an entry in ClinVar:

NM_000263.4(NAGLU):c.1288_1289del (p.Ala430fs)

Gene: NAGLU (N-acetyl-alpha-glucosaminidase; plus strand). Cytogenetic location: 17q21.2.
Variant type: Deletion.
Coding change: c.1288_1289del on transcript NM_000263.4 (MANE Select); coding-DNA positions 1288 to 1289, 2 bases deleted (GC; older notation c.1288_1289delGC).
Protein change: p.Ala430fs; shifts the reading frame from alanine 430.
Molecular consequence: frameshift variant.
Genome position (GRCh38, 1-based): chr17:42,543,294-42,543,295, GC deleted. VCF-style (leftmost placement, unchanged base first): chr17-42543293-TGC-T. GRCh37 (hg19) VCF-style: chr17-40695311-TGC-T.
Other names: short protein forms A430fs.
Identifiers: ClinVar variation 862122 (VCV000862122.10), dbSNP rs2092926507, ClinGen allele CA916083540.
Genomic context (GRCh38, chr17:42,543,293, plus strand): 5'-CTTTGGGGGAAACCATGGTCTTTTTGGAGCCCTAGAGGCTGTGAACGGAGGCCCAGAAGC[TGC>T]CCGCCTCTTCCCCAACTCCACCATGGTAGGCACGGGCATGGCCCCCGAGGGCATCAGCCA-3'

ClinVar aggregate classification (germline): Pathogenic. Review status: criteria provided, multiple submitters, no conflicts (2 of 4 stars). 2 submissions from 2 submitters: Pathogenic (2). Last evaluated 2026-08-27.

Conditions:
Mucopolysaccharidosis, MPS-III-B (MPS3B). Also called: N-ACETYL-ALPHA-D-GLUCOSAMINIDASE DEFICIENCY; NAGLU DEFICIENCY; SANFILIPPO SYNDROME B; Mucopolysaccharidosis type IIIB (Sanfilippo B); MPS IIIB (Sanfilippo Syndrome Type B); MUCOPOLYSACCHARIDOSIS, TYPE IIIB. Identifiers: Orphanet 79270, MedGen C0086648, MONDO:0009656, OMIM 252920.
Charcot-Marie-Tooth disease axonal type 2V. Also called: CHARCOT-MARIE-TOOTH NEUROPATHY, TYPE 2V; CHARCOT-MARIE-TOOTH DISEASE, AXONAL, AUTOSOMAL DOMINANT, TYPE 2V. Identifiers: Orphanet 447964, MedGen C5569050, MONDO:0014665, OMIM 616491.

Allele frequency attached by ClinVar (database versions not stated): gnomAD exomes below 0.00001.

Submissions (2):

Myriad Genetics, Inc.
Classification: Pathogenic for Mucopolysaccharidosis, MPS-III-B. Last evaluated: 2026-08-27. Review status: criteria provided, single submitter. Criteria: Myriad Autosomal Dominant, Autosomal Recessive and X-Linked Classification Criteria (2023). Collection method: clinical testing. Allele origin: unknown.
Comment: NM_000263.3(NAGLU):c.1288_1289delGC(A430Pfs*30) is a frameshift variant classified as pathogenic in the context of mucopolysaccharidosis type IIIB. A430Pfs*30 has not been observed in cases with relevant disease. Relevant functional assessments of this variant are not available in the literature. A430Pfs*30 has not been observed in referenced population frequency databases. In summary, NM_000263.3(NAGLU):c.1288_1289delGC(A430Pfs*30) is a frameshift variant in a gene where loss of function is a known mechanism of disease and is predicted to disrupt protein function. Please note: this variant was assessed in the context of healthy population screening.

Labcorp Genetics (formerly Invitae), Labcorp
Classification: Pathogenic for Charcot-Marie-Tooth disease axonal type 2V; Mucopolysaccharidosis, MPS-III-B. Last evaluated: 2019-10-11. Review status: criteria provided, single submitter. Criteria: Invitae Variant Classification Sherloc (09022015). Collection method: clinical testing. Allele origin: germline.
Comment: For these reasons, this variant has been classified as Pathogenic. This variant disrupts the C-terminus of the NAGLU protein. Other variant(s) that disrupt this region (p.Arg626*) have been determined to be pathogenic (PMID: 9832037, 8650226, 10094189). This suggests that variants that disrupt this region of the protein are likely to be causative of disease. This variant has not been reported in the literature in individuals with NAGLU-related conditions. This variant is not present in population databases (ExAC no frequency). This sequence change results in a premature translational stop signal in the NAGLU gene (p.Ala430Profs*30). While this is not anticipated to result in nonsense mediated decay, it is expected to disrupt the last 314 amino acids of the NAGLU protein.

Literature cited by the submitters: PubMed 9832037 (cited by Labcorp Genetics (formerly Invitae), Labcorp); PubMed 8650226 (cited by Labcorp Genetics (formerly Invitae), Labcorp); PubMed 10094189 (cited by Labcorp Genetics (formerly Invitae), Labcorp).